The following is an entry in ClinVar:

NM_004551.3(NDUFS3):c.22A>G (p.Arg8Gly)

Gene: NDUFS3 (NADH:ubiquinone oxidoreductase core subunit S3; plus strand). Cytogenetic location: 11p11.2.
Variant type: single nucleotide variant.
Coding change: c.22A>G on transcript NM_004551.3 (MANE Select); coding-DNA position 22, A replaced by G.
Protein change: p.Arg8Gly; replaces arginine 8 with glycine.
Molecular consequence: missense variant.
Genome position (GRCh38, 1-based): chr11:47,579,113, A>G. VCF-style: chr11-47579113-A-G. GRCh37 (hg19) VCF-style: chr11-47600665-A-G.
Other names: short protein forms R8G.
Identifiers: ClinVar variation 1803666 (VCV001803666.1), dbSNP rs762277356, ClinGen allele CA380356421.
Genomic context (GRCh38, chr11:47,579,113, plus strand): 5'-CTGTCTTTCCGTCCGCTGCCTAGTCTGCATCTGAGTAACATGGCGGCGGCGGCGGTAGCC[A>G]GGCTGTGGTGGCGCGGGATCTTGGGGGCCTCGGCGCTGACCAGGGGTGAGCACGGGCAGC-3'
Protein context (NP_004542.1, residues 1-18): MAAAAVA[Arg8Gly]LWWRGILGAS

ClinVar aggregate classification (germline): Uncertain significance (1 of 4 stars; one submission).

gnomAD v4.1: 23 of 1,585,256 alleles (0.0015%); highest among the groups gnomAD compares: Non-Finnish European, 0.0019%; no homozygotes.

Submission:

GeneDx
Classification: Uncertain significance. Last evaluated: 2022-06-06. Review status: criteria provided, single submitter. Criteria: GeneDx Variant Classification Process June 2021. Collection method: clinical testing. Allele origin: germline. Affected: yes.
Comment: Not observed at significant frequency in large population cohorts (gnomAD); In silico analysis supports that this missense variant has a deleterious effect on protein structure/function; Has not been previously published as pathogenic or benign to our knowledge